The following is an entry in ClinVar:

ClinVar aggregate classification (germline): Pathogenic (1 of 4 stars; one submission).

Conditions:
Rhabdoid tumor predisposition syndrome 2 (RTPS2). Identifiers: Orphanet 231108, Orphanet 69077, MedGen C2750074, MONDO:0013224, OMIM 613325.

Submission:

Labcorp Genetics (formerly Invitae), Labcorp
Classification: Pathogenic for Rhabdoid tumor predisposition syndrome 2. Last evaluated: 2022-02-06. Review status: criteria provided, single submitter. Criteria: Invitae Variant Classification Sherloc (09022015). Collection method: clinical testing. Allele origin: germline.
Comment: For these reasons, this variant has been classified as Pathogenic. This variant has not been reported in the literature in individuals affected with SMARCA4-related conditions. This variant is not present in population databases (gnomAD no frequency). This sequence change creates a premature translational stop signal (p.Gln1519*) in the SMARCA4 gene. It is expected to result in an absent or disrupted protein product. Loss-of-function variants in SMARCA4 are known to be pathogenic (PMID: 24658001, 24658002).

Literature cited by the submitters: PubMed 24658001; PubMed 24658002.

NM_003072.5(SMARCA4):c.4459C>T (p.Gln1487Ter)

Gene: SMARCA4 (SWI/SNF related BAF chromatin remodeling complex subunit ATPase 4; plus strand). Cytogenetic location: 19p13.2.
Variant type: single nucleotide variant.
Coding change: c.4459C>T on transcript NM_003072.5 (MANE Select); coding-DNA position 4459, C replaced by T.
Protein change: p.Gln1487Ter; replaces glutamine 1487 with a stop codon.
Molecular consequence: nonsense. On other transcripts: non-coding transcript variant (1).
Genome position (GRCh38, 1-based): chr19:11,058,289, C>T. VCF-style: chr19-11058289-C-T. GRCh37 (hg19) VCF-style: chr19-11168965-C-T.
Other names: c.4459C>T, p.Gln1487Ter (NM_001128844.3); c.4369C>T, p.Gln1457Ter (NM_001128845.2); c.4366C>T, p.Gln1456Ter (NM_001128846.2); c.4360C>T, p.Gln1454Ter (NM_001128847.4, NM_001374457.1); c.4357C>T, p.Gln1453Ter (NM_001128848.2); c.4555C>T, p.Gln1519Ter (NM_001128849.3, NM_001387283.1); c.4456C>T, p.Gln1486Ter (NM_001411150.1); short protein forms Q1457*, Q1519*, Q1453*, Q1454*, Q1456*, Q1487*, Q1486*.
Identifiers: ClinVar variation 2093736 (VCV002093736.4), dbSNP rs2147085761, ClinGen allele CA404077446.